The following is an entry in ClinVar:

ClinVar aggregate classification (germline): Benign/Likely benign. Review status: criteria provided, multiple submitters, no conflicts (2 of 4 stars). 7 submissions from 7 submitters: Benign (3); Likely benign (1). 3 of the submissions do not count toward it. Last evaluated 2026-01-28.

Conditions:
GNAS-related disorder. Identifiers: MedGen CN380105.
McCune-Albright syndrome (MAS). Also called: ALBRIGHT SYNDROME; McCune-Albright syndrome, somatic, mosaic; Albright's Syndrome; Fibrous Dysplasia / McCune-Albright Syndrome; Albright's disease. Identifiers: Orphanet 562, MedGen C0242292, MONDO:0018919, OMIM 174800.
Progressive osseous heteroplasia (POH). Also called: ECTOPIC OSSIFICATION, FAMILIAL; Progressive Osseus Heteroplasia (POH); Osseus Heteroplasia, Progressive; Osteoma cutis. Identifiers: Orphanet 2762, MedGen C0334041, MONDO:0008153, OMIM 166350, HP:0025027.
Pseudohypoparathyroidism type 1C (PHP1C). Also called: PSEUDOHYPOPARATHYROIDISM, TYPE IC; PHP IC; Pseudohypoparathyroidism Ic (PHP-Ic). Identifiers: Orphanet 79444, MedGen C2932716, MONDO:0012911, OMIM 612462.
Pituitary adenoma 3, multiple types. Also called: PITUITARY ADENOMA 3, ACTH-SECRETING, SOMATIC; PITUITARY ADENOMA 3, GROWTH HORMONE-SECRETING, SOMATIC. Identifiers: MedGen C4540135, MONDO:0054665, OMIM 617686.
Pseudohypoparathyroidism type 1B (PHP1B). Also called: PHP IB; Pseudohypoparathyroidism Ib (PHP-Ib); Pseudohypoparathyroidism Type IB. Identifiers: Orphanet 94089, MedGen C1864100, MONDO:0011301, OMIM 603233.
Pseudopseudohypoparathyroidism (PPHP). Also called: ALBRIGHT HEREDITARY OSTEODYSTROPHY WITHOUT MULTIPLE HORMONE RESISTANCE; Pseudopseudohypoparathyroidism (PPHP). Identifiers: Orphanet 79445, MedGen C0033835, MONDO:0012912, OMIM 612463.
ACTH-independent macronodular adrenal hyperplasia 1 (AIMAH1). Also called: ACTH-INDEPENDENT MACRONODULAR ADRENOCORTICAL HYPERPLASIA; ACTH-independent macronodular adrenal hyperplasia, somatic; CUSHING SYNDROME, ADRENAL, DUE TO AIMAH; ADRENOCORTICOTROPIC HORMONE-INDEPENDENT MACRONODULAR ADRENAL HYPERPLASIA; CORTICOTROPIN-INDEPENDENT MACRONODULAR ADRENAL HYPERPLASIA. Identifiers: MedGen C1857451, MONDO:0020735, OMIM 219080.
Pseudohypoparathyroidism type I A (PHP1A). Also called: ALBRIGHT HEREDITARY OSTEODYSTROPHY WITH MULTIPLE HORMONE RESISTANCE; PHP IA; Pseudohypoparathyroidism type 1A; Pseudohypoparathyroidism Ia (PHP-Ia); Pseudohypoparathyroidism Type IA. Identifiers: Orphanet 79443, MedGen C3494506, MONDO:0007078, OMIM 103580.

Allele frequency attached by ClinVar (database versions not stated): ExAC 0.00189; gnomAD 0.00569 and 0.00609; TOPMed 0.00656; ESP Exome Variant Server 0.00677; 1000 Genomes Project 0.00679; 1000 Genomes Project 30x 0.00687.
gnomAD v4.1: 1,736 of 1,613,668 alleles (0.11%); highest among the groups gnomAD compares: African/African-American, 2.1%; 24 homozygotes.

Submissions (7):

Labcorp Genetics (formerly Invitae), Labcorp
Classification: Benign. Last evaluated: 2026-01-28. Review status: criteria provided, single submitter. Criteria: Invitae Variant Classification Sherloc (09022015). Collection method: clinical testing. Allele origin: germline.

Fulgent Genetics
Classification: Likely benign for Pseudohypoparathyroidism type I A; Progressive osseous heteroplasia; McCune-Albright syndrome; ACTH-independent macronodular adrenal hyperplasia 1; Pseudohypoparathyroidism type 1B; Pseudohypoparathyroidism type 1C; Pseudopseudohypoparathyroidism; Pituitary adenoma 3, multiple types. Last evaluated: 2021-11-11. Review status: criteria provided, single submitter. Criteria: ACMG Guidelines, 2015. Collection method: clinical testing. Allele origin: unknown.

Genetic Services Laboratory, University of Chicago
Classification: Benign. Last evaluated: 2021-06-25. Review status: criteria provided, single submitter. Criteria: ACMG Guidelines, 2015. Collection method: clinical testing. Allele origin: germline. Affected: no.

Breakthrough Genomics
Classification: Benign. Review status: criteria provided, single submitter. Criteria: ACMG Guidelines, 2015. Collection method: not provided. Allele origin: germline. Inheritance: Autosomal dominant inheritance. Affected: yes.

PreventionGenetics, part of Exact Sciences
Classification: Benign for GNAS-related condition. Last evaluated: 2020-11-17. Review status: no assertion criteria provided. Collection method: clinical testing. Allele origin: germline. Not counted in ClinVar's aggregate classification.
Comment: This variant is classified as benign based on ACMG/AMP sequence variant interpretation guidelines (Richards et al. 2015 PMID: 25741868, with internal and published modifications).

Clinical Genetics DNA and cytogenetics Diagnostics Lab, Erasmus MC, Erasmus Medical Center
Classification: Benign. Review status: no assertion criteria provided. Collection method: clinical testing. Allele origin: germline. Affected: yes. Study: VKGL Data-share Consensus. Not counted in ClinVar's aggregate classification.

Laboratory of Diagnostic Genome Analysis, Leiden University Medical Center (LUMC)
Classification: Likely benign. Review status: no assertion criteria provided. Collection method: clinical testing. Allele origin: germline. Affected: yes. Study: VKGL Data-share Consensus. Not counted in ClinVar's aggregate classification.

NM_000516.7(GNAS):c.384G>A (p.Val128=)

Gene: GNAS (GNAS complex locus; plus strand). Cytogenetic location: 20q13.32.
Variant type: single nucleotide variant.
Coding change: c.384G>A on transcript NM_000516.7 (MANE Select); coding-DNA position 384, G replaced by A.
Protein change: p.Val128=; no amino-acid change (valine 128 retained).
Molecular consequence: synonymous variant. On other transcripts: 3 prime UTR variant (2).
Genome position (GRCh38, 1-based): chr20:58,903,743, G>A. VCF-style: chr20-58903743-G-A. GRCh37 (hg19) VCF-style: chr20-57478798-G-A.
Other names: c.387G>A, p.Val129= (NM_001077488.5); c.339G>A, p.Val113= (NM_001077489.4); c.*245G>A (NM_001077490.3); c.207G>A, p.Val69= (NM_001309840.2, NM_001309861.2); c.*290G>A (NM_016592.5); c.2313G>A, p.Val771= (NM_080425.4); c.342G>A, p.Val114= (NM_080426.4).
Identifiers: ClinVar variation 729219 (VCV000729219.19), dbSNP rs3730166, ClinGen allele CA9927073.